The following is an entry in ClinVar:

NM_014994.3(MAPKBP1):c.1585+15C>T

Gene: MAPKBP1 (mitogen-activated protein kinase binding protein 1; plus strand). Cytogenetic location: 15q15.1.
Variant type: single nucleotide variant.
Coding change: c.1585+15C>T on transcript NM_014994.3 (MANE Select); 15 bases into the intron after coding-DNA position 1585, C replaced by T.
Molecular consequence: intron variant.
Genome position (GRCh38, 1-based): chr15:41,816,665, C>T. VCF-style: chr15-41816665-C-T. GRCh37 (hg19) VCF-style: chr15-42108863-C-T.
Other names: c.1603+15C>T (NM_001128608.2); c.1585+15C>T (NM_001265611.2).
Identifiers: ClinVar variation 1032645 (VCV001032645.9), dbSNP rs546384224, ClinGen allele CA7497864.

ClinVar aggregate classification (germline): Conflicting classifications of pathogenicity. Review status: criteria provided, conflicting classifications (1 of 4 stars). 2 submissions from 2 submitters: Uncertain significance (1); Benign (1). Last evaluated 2026-02-01.

Conditions:
Nephronophthisis 20 (NPHP20). Identifiers: MedGen C4310640, MONDO:0014997, OMIM 617271.

Allele frequency attached by ClinVar (database versions not stated): TOPMed 0.00002; ExAC 0.00005; gnomAD exomes 0.00010; 1000 Genomes Project 30x 0.00016; gnomAD 0.00001; 1000 Genomes Project 0.00020.
gnomAD v4.1: 36 of 1,609,766 alleles (0.0022%); highest among the groups gnomAD compares: Admixed American, 0.043%; 1 homozygote.

Submissions (2):

Labcorp Genetics (formerly Invitae), Labcorp
Classification: Benign. Last evaluated: 2026-02-01. Review status: criteria provided, single submitter. Criteria: Invitae Variant Classification Sherloc (09022015). Collection method: clinical testing. Allele origin: germline.

Baylor Genetics
Classification: Uncertain significance for Nephronophthisis 20. Last evaluated: 2018-04-19. Review status: criteria provided, single submitter. Criteria: ACMG Guidelines, 2015. Collection method: clinical testing. Allele origin: maternal. Affected: yes.
Comment: This variant was determined to be of uncertain significance according to ACMG Guidelines, 2015 [PMID:25741868].